The following is an entry in ClinVar:

ClinVar aggregate classification (germline): Uncertain significance. Review status: criteria provided, multiple submitters, no conflicts (2 of 4 stars). 2 submissions from 2 submitters: Uncertain significance (2). Last evaluated 2024-05-16.

Conditions:
Cardiovascular phenotype. Identifiers: MedGen CN230736.
Aortic valve disease 2 (AOVD2). Identifiers: MedGen C3542024, MONDO:0013902, OMIM 614823.

Allele frequency attached by ClinVar (database versions not stated): gnomAD exomes below 0.00001; TOPMed below 0.00001; gnomAD 0.00001.
gnomAD v4.1: 6 of 1,613,982 alleles (0.00037%); highest among the groups gnomAD compares: Admixed American, 0.0017%; no homozygotes.

Submissions (2):

Labcorp Genetics (formerly Invitae), Labcorp
Classification: Uncertain significance for Aortic valve disease 2. Last evaluated: 2024-05-16. Review status: criteria provided, single submitter. Criteria: Invitae Variant Classification Sherloc (09022015). Collection method: clinical testing. Allele origin: germline.
Comment: This sequence change replaces proline, which is neutral and non-polar, with leucine, which is neutral and non-polar, at codon 306 of the TBX5 protein (p.Pro306Leu). This variant is present in population databases (no rsID available, gnomAD 0.003%). This variant has not been reported in the literature in individuals affected with TBX5-related conditions. ClinVar contains an entry for this variant (Variation ID: 1766064). Advanced modeling of protein sequence and biophysical properties (such as structural, functional, and spatial information, amino acid conservation, physicochemical variation, residue mobility, and thermodynamic stability) performed at Invitae indicates that this missense variant is not expected to disrupt TBX5 protein function with a negative predictive value of 80%. In summary, the available evidence is currently insufficient to determine the role of this variant in disease. Therefore, it has been classified as a Variant of Uncertain Significance.

Ambry Genetics
Classification: Uncertain significance for Cardiovascular phenotype. Last evaluated: 2021-12-16. Review status: criteria provided, single submitter. Criteria: Ambry Variant Classification Scheme 2023. Collection method: clinical testing. Allele origin: germline.
Comment: The p.P306L variant (also known as c.917C>T), located in coding exon 7 of the TBX5 gene, results from a C to T substitution at nucleotide position 917. The proline at codon 306 is replaced by leucine, an amino acid with similar properties. This amino acid position is conserved. In addition, the in silico prediction for this alteration is inconclusive. Since supporting evidence is limited at this time, the clinical significance of this alteration remains unclear.

NM_181486.4(TBX5):c.917C>T (p.Pro306Leu)

Gene: TBX5 (T-box transcription factor 5; minus strand). Cytogenetic location: 12q24.21.
Variant type: single nucleotide variant.
Coding change: c.917C>T on transcript NM_181486.4 (MANE Select); coding-DNA position 917, C replaced by T.
Protein change: p.Pro306Leu; replaces proline 306 with leucine.
Molecular consequence: missense variant.
Genome position (GRCh38, 1-based): chr12:114,366,230, G>A on the plus strand (C>T on the coding strand, the complement: TBX5 is on the minus strand). VCF-style: chr12-114366230-G-A. GRCh37 (hg19) VCF-style: chr12-114804035-G-A.
Other names: c.917C>T, p.Pro306Leu (NM_000192.3); c.767C>T, p.Pro256Leu (NM_080717.4); short protein forms P256L, P306L.
Identifiers: ClinVar variation 1766064 (VCV001766064.4), dbSNP rs1344205597, ClinGen allele CA386926353.